The following is an entry in ClinVar:

NM_000492.4(CFTR):c.1085A>G (p.Tyr362Cys)

Gene: CFTR (CF transmembrane conductance regulator; plus strand). Cytogenetic location: 7q31.2.
Variant type: single nucleotide variant.
Coding change: c.1085A>G on transcript NM_000492.4 (MANE Select); coding-DNA position 1085, A replaced by G.
Protein change: p.Tyr362Cys; replaces tyrosine 362 with cysteine.
Molecular consequence: missense variant.
Genome position (GRCh38, 1-based): chr7:117,540,315, A>G. VCF-style: chr7-117540315-A-G. GRCh37 (hg19) VCF-style: chr7-117180369-A-G.
Other names: short protein forms Y362C.
Identifiers: ClinVar variation 2587600 (VCV002587600.2), dbSNP rs2485027212, ClinGen allele CA368979016.
Genomic context (GRCh38, chr7:117,540,315, plus strand): 5'-TCTGCATTGTTCTGCGCATGGCGGTCACTCGGCAATTTCCCTGGGCTGTACAAACATGGT[A>G]TGACTCTCTTGGAGCAATAAACAAAATACAGGTAATGTACCATAATGCTGCATTATATAC-3'
Protein context (NP_000483.3, residues 352-372): RQFPWAVQTW[Tyr362Cys]DSLGAINKIQ

ClinVar aggregate classification (germline): Uncertain significance (1 of 4 stars; one submission).

Conditions:
Cystic fibrosis (CF). Also called: MUCOVISCIDOSIS. Identifiers: Orphanet 586, MedGen C0010674, MONDO:0009061, OMIM 219700. Disease mechanism: loss of function.

Submission:

Ambry Genetics
Classification: Uncertain significance for Cystic fibrosis. Last evaluated: 2023-06-18. Review status: criteria provided, single submitter. Criteria: Ambry Variant Classification Scheme 2023. Collection method: clinical testing. Allele origin: germline.
Comment: The p.Y362C variant (also known as c.1085A>G), located in coding exon 8 of the CFTR gene, results from an A to G substitution at nucleotide position 1085. The tyrosine at codon 362 is replaced by cysteine, an amino acid with highly dissimilar properties. This amino acid position is conserved. In addition, this alteration is predicted to be deleterious by in silico analysis. Since supporting evidence is limited at this time, the clinical significance of this alteration remains unclear.